The following is an entry in ClinVar:

NM_199420.4(POLQ):c.1288G>A (p.Gly430Arg)

Gene: POLQ (DNA polymerase theta; minus strand). Cytogenetic location: 3q13.33.
Variant type: single nucleotide variant.
Coding change: c.1288G>A on transcript NM_199420.4 (MANE Select); coding-DNA position 1288, G replaced by A.
Protein change: p.Gly430Arg; replaces glycine 430 with arginine.
Molecular consequence: missense variant.
Genome position (GRCh38, 1-based): chr3:121,520,051, C>T on the plus strand (G>A on the coding strand, the complement: POLQ is on the minus strand). VCF-style: chr3-121520051-C-T. GRCh37 (hg19) VCF-style: chr3-121238898-C-T.
Other names: short protein forms G430R.
Identifiers: ClinVar variation 1769023 (VCV001769023.2), dbSNP rs1440124187, ClinGen allele CA354119885.

ClinVar aggregate classification (germline): Uncertain significance (1 of 4 stars; one submission).

Allele frequency attached by ClinVar (database versions not stated): gnomAD exomes below 0.00001.
gnomAD v4.1: 1 of 1,612,818 alleles (0.000062%); highest among the groups gnomAD compares: South Asian, 0.0011%; no homozygotes.

Submission:

Ambry Genetics
Classification: Uncertain significance. Last evaluated: 2022-10-24. Review status: criteria provided, single submitter. Criteria: Ambry Variant Classification Scheme 2023. Collection method: clinical testing. Allele origin: germline.
Comment: The p.G430R variant (also known as c.1288G>A), located in coding exon 9 of the POLQ gene, results from a G to A substitution at nucleotide position 1288. The glycine at codon 430 is replaced by arginine, an amino acid with dissimilar properties. This amino acid position is conserved. In addition, the in silico prediction for this alteration is inconclusive. Since supporting evidence is limited at this time, the clinical significance of this alteration remains unclear.